The following is an entry in ClinVar:

ClinVar aggregate classification (germline): Uncertain significance (1 of 4 stars; one submission).

Conditions:
Lipodystrophy - childhood onset.

Submission:

Cambridge Genomics Laboratory, East Genomic Laboratory Hub, NHS Genomic Medicine Service
Classification: Uncertain significance for Lipodystrophy - childhood onset. Last evaluated: 2024-10-31. Review status: criteria provided, single submitter. Criteria: ACGS Best Practice Guidelines for Variant Classification in Rare Disease 2020. Collection method: clinical testing. Allele origin: germline. Affected: yes.
Comment: PM2,BP4

NM_006412.4(AGPAT2):c.254G>A (p.Arg85Lys)

Gene: AGPAT2 (1-acylglycerol-3-phosphate O-acyltransferase 2; minus strand). Cytogenetic location: 9q34.3.
Variant type: single nucleotide variant.
Coding change: c.254G>A on transcript NM_006412.4 (MANE Select); coding-DNA position 254, G replaced by A.
Protein change: p.Arg85Lys; replaces arginine 85 with lysine.
Molecular consequence: missense variant.
Genome position (GRCh38, 1-based): chr9:136,677,485, C>T on the plus strand (G>A on the coding strand, the complement: AGPAT2 is on the minus strand). VCF-style: chr9-136677485-C-T. GRCh37 (hg19) VCF-style: chr9-139571937-C-T.
Other names: c.254G>A, p.Arg85Lys (NM_001012727.2); short protein forms R85K.
Identifiers: ClinVar variation 4682105 (VCV004682105.1).
Genomic context (GRCh38, chr9:136,677,485, plus strand): 5'-ATCATGTCCAGGATGCTCTGGTGGTTGGAGACGATGACACAGGGACGGGCCTCCTGCAGC[C>T]TGCGCGGGTCCCGCACCTCGAAGCGGAGCCCGTAAAAGTACTTGAAGCTTCGCACGAACC-3'
Protein context (NP_006403.2, residues 75-95): GLRFEVRDPR[Arg85Lys]LQEARPCVIV